The following is an entry in ClinVar:

NM_002691.4(POLD1):c.970+28C>T

Gene: POLD1 (DNA polymerase delta 1, catalytic subunit; plus strand). Cytogenetic location: 19q13.33.
Variant type: single nucleotide variant.
Coding change: c.970+28C>T on transcript NM_002691.4 (MANE Select); 28 bases into the intron after coding-DNA position 970, C replaced by T.
Molecular consequence: intron variant.
Genome position (GRCh38, 1-based): chr19:50,402,769, C>T. VCF-style: chr19-50402769-C-T. GRCh37 (hg19) VCF-style: chr19-50906026-C-T.
Other names: c.970+28C>T (NM_001256849.1, NM_001308632.1).
Identifiers: ClinVar variation 676796 (VCV000676796.7), dbSNP rs1726806, ClinGen allele CA9595979.
Genomic context (GRCh38, chr19:50,402,769, plus strand): 5'-TCAGCTTCGATATCGAGTGCGCCGGCCGCAAAGGTCTGTCCCCGGGCCCGGGCTCCTGCC[C>T]GCCTCATTGATGTGCCAAGTCGGGGGTCGGAAAGGCAGGTCCGGTGGAGGGAATGGCAAG-3'

ClinVar aggregate classification (germline): Benign. Review status: criteria provided, multiple submitters, no conflicts (2 of 4 stars). 3 submissions from 3 submitters: Benign (3). Last evaluated 2025-03-04.

Allele frequency attached by ClinVar (database versions not stated): gnomAD exomes 0.00900; ExAC 0.01048; gnomAD 0.03185 and 0.03330; ESP Exome Variant Server 0.03256; 1000 Genomes Project 0.03534; TOPMed 0.03570; 1000 Genomes Project 30x 0.03795.
gnomAD v4.1: 9,616 of 1,564,646 alleles (0.61%); highest among the groups gnomAD compares: African/African-American, 11%; 517 homozygotes.

Submissions (3):

Center for Genomic Medicine, Rigshospitalet, Copenhagen University Hospital
Classification: Benign. Last evaluated: 2025-03-04. Review status: criteria provided, single submitter. Criteria: ACMG Guidelines, 2015. Collection method: clinical testing. Allele origin: germline.

GeneDx
Classification: Benign. Last evaluated: 2018-06-18. Review status: criteria provided, single submitter. Criteria: GeneDx Variant Classification (06012015). Collection method: clinical testing. Allele origin: germline. Affected: yes.
Comment: This variant is considered likely benign or benign based on one or more of the following criteria: it is a conservative change, it occurs at a poorly conserved position in the protein, it is predicted to be benign by multiple in silico algorithms, and/or has population frequency not consistent with disease.

Breakthrough Genomics
Classification: Benign. Review status: criteria provided, single submitter. Criteria: ACMG Guidelines, 2015. Collection method: not provided. Allele origin: germline. Inheritance: Autosomal dominant inheritance. Affected: yes.